The following is an entry in ClinVar:

NM_001142864.4(PIEZO1):c.566G>A (p.Arg189Gln)

Genes: HSALR1 (HSP90AB1 associated lncRNA 1; plus strand), PIEZO1 (piezo type mechanosensitive ion channel component 1 (Er blood group); minus strand). Cytogenetic location: 16q24.3.
Variant type: single nucleotide variant.
Coding change: c.566G>A on transcript NM_001142864.4 (MANE Select); coding-DNA position 566, G replaced by A.
Protein change: p.Arg189Gln; replaces arginine 189 with glutamine.
Molecular consequence: missense variant. On other transcripts: non-coding transcript variant (1).
Genome position (GRCh38, 1-based): chr16:88,738,636, C>T on the plus strand (G>A on the coding strand, the complement: PIEZO1 is on the minus strand). VCF-style: chr16-88738636-C-T. GRCh37 (hg19) VCF-style: chr16-88805044-C-T.
Other names: short protein forms R189Q.
Identifiers: ClinVar variation 3355908 (VCV003355908.1).
Genomic context (GRCh38, chr16:88,738,636, plus strand): 5'-GCAAGCAGTGTTACGGCCAGGACCCGCCCAGCCGCCACCAGCAGCCAGTGGGCCGTGACT[C>T]GGAAACGAGCGGCCAGCCGTGACCTCCGTGTAGGGGCCAGCGTTGCTGCTTCCTGCAGCC-3'
Protein context (NP_001136336.2, residues 179-199): TRRSRLAARF[Arg189Gln]VTAHWLLVAA

ClinVar aggregate classification (germline): Uncertain significance (0 of 4 stars; one submission).

Conditions:
PIEZO1-related disorder. Also called: PIEZO1-related condition; PIEZO1-Related Disorders.

gnomAD v4.1: 11 of 1,535,708 alleles (0.00072%); highest among the groups gnomAD compares: Middle Eastern, 0.017%; no homozygotes.

Submission:

PreventionGenetics, part of Exact Sciences
Classification: Uncertain significance for PIEZO1-related condition. Last evaluated: 2024-03-07. Review status: no assertion criteria provided. Collection method: clinical testing. Allele origin: germline.
Comment: The PIEZO1 c.566G>A variant is predicted to result in the amino acid substitution p.Arg189Gln. To our knowledge, this variant has not been reported in the literature or in a large population database, indicating this variant is rare. At this time, the clinical significance of this variant is uncertain due to the absence of conclusive functional and genetic evidence.